The following is an entry in ClinVar:

ClinVar aggregate classification (germline): Benign. Review status: criteria provided, multiple submitters, no conflicts (2 of 4 stars). 2 submissions from 2 submitters: Benign (2). Last evaluated 2018-01-13.

Conditions:
Familial hyperaldosteronism type III. Also called: FH III; Familial hyperaldosteronism type 3. Identifiers: Orphanet 251274, MedGen C3838758, MONDO:0013359, OMIM 613677.

Allele frequency attached by ClinVar (database versions not stated): gnomAD 0.84961 and 0.84898; TOPMed 0.85460; 1000 Genomes Project 30x 0.87492; 1000 Genomes Project 0.87520.

Submissions (2):

Illumina Laboratory Services, Illumina
Classification: Benign for Familial hyperaldosteronism type III. Last evaluated: 2018-01-13. Review status: criteria provided, single submitter. Criteria: ICSL Variant Classification Criteria 13 December 2019. Collection method: clinical testing. Allele origin: germline.
Comment: This variant was observed in the ICSL laboratory as part of a predisposition screen in an ostensibly healthy population. It had not been previously curated by ICSL or reported in the Human Gene Mutation Database (HGMD: prior to June 1st, 2018), and was therefore a candidate for classification through an automated scoring system. Utilizing variant allele frequency, disease prevalence and penetrance estimates, and inheritance mode, an automated score was calculated to assess if this variant is too frequent to cause the disease. Based on the score and internal cut-off values, a variant classified as benign is not then subjected to further curation. The score for this variant resulted in a classification of benign for this disease.

Breakthrough Genomics
Classification: Benign. Review status: criteria provided, single submitter. Criteria: ACMG Guidelines, 2015. Collection method: not provided. Allele origin: germline. Inheritance: Autosomal dominant inheritance. Affected: yes.

NM_000890.5(KCNJ5):c.*410C>T

Gene: KCNJ5 (potassium inwardly rectifying channel subfamily J member 5; plus strand). Cytogenetic location: 11q24.3.
Variant type: single nucleotide variant.
Coding change: c.*410C>T on transcript NM_000890.5 (MANE Select); 410 bases downstream of the stop codon, C replaced by T.
Molecular consequence: 3 prime UTR variant.
Genome position (GRCh38, 1-based): chr11:128,917,141, C>T. VCF-style: chr11-128917141-C-T. GRCh37 (hg19) VCF-style: chr11-128787036-C-T.
Other names: c.*410C>T (LRG_333t1, NM_001354169.2).
Identifiers: ClinVar variation 303641 (VCV000303641.7), dbSNP rs2846675, ClinGen allele CA10630415.
Genomic context (GRCh38, chr11:128,917,141, plus strand): 5'-ACACCTAGAGAGAACCATCACCTTGTCCCTCATTCCTTCCACCCTGAGGCTTGCTGTGGA[C>T]TCAGAGAGGAGACTTACCTGATGAGAGCTCAAACCTCTAGTCTGGGATGAGCTCACAGAG-3'